The following is an entry in ClinVar:

ClinVar aggregate classification (germline): Uncertain significance (1 of 4 stars; one submission).

Allele frequency attached by ClinVar (database versions not stated): gnomAD exomes 0.00001.
gnomAD v4.1: 3 of 1,546,376 alleles (0.00019%); highest among the groups gnomAD compares: East Asian, 0.0073%; no homozygotes.

Submission:

Labcorp Genetics (formerly Invitae), Labcorp
Classification: Uncertain significance. Last evaluated: 2021-11-11. Review status: criteria provided, single submitter. Criteria: Invitae Variant Classification Sherloc (09022015). Collection method: clinical testing. Allele origin: germline.
Comment: In summary, the available evidence is currently insufficient to determine the role of this variant in disease. Therefore, it has been classified as a Variant of Uncertain Significance. Algorithms developed to predict the effect of missense changes on protein structure and function are either unavailable or do not agree on the potential impact of this missense change (SIFT: "Not Available"; PolyPhen-2: "Probably Damaging"; Align-GVGD: "Not Available"). This variant has not been reported in the literature in individuals affected with UNC80-related conditions. This variant is not present in population databases (gnomAD no frequency). This sequence change replaces alanine, which is neutral and non-polar, with glutamic acid, which is acidic and polar, at codon 1609 of the UNC80 protein (p.Ala1609Glu).

NM_001371986.1(UNC80):c.5024C>A (p.Ala1675Glu)

Gene: UNC80 (unc-80 subunit of NALCN channel complex; plus strand). Cytogenetic location: 2q34.
Variant type: single nucleotide variant.
Coding change: c.5024C>A on transcript NM_001371986.1 (MANE Select); coding-DNA position 5024, C replaced by A.
Protein change: p.Ala1675Glu; replaces alanine 1675 with glutamic acid.
Molecular consequence: missense variant.
Genome position (GRCh38, 1-based): chr2:209,913,935, C>A. VCF-style: chr2-209913935-C-A. GRCh37 (hg19) VCF-style: chr2-210778659-C-A.
Other names: c.4826C>A, p.Ala1609Glu (NM_032504.2); c.4811C>A, p.Ala1604Glu (NM_182587.4); short protein forms A1604E, A1609E, A1675E.
Identifiers: ClinVar variation 1449147 (VCV001449147.6), dbSNP rs1336013617, ClinGen allele CA350757083.